The following is an entry in ClinVar:

NM_004959.5(NR5A1):c.764G>T (p.Arg255Leu)

Gene: NR5A1 (nuclear receptor subfamily 5 group A member 1; minus strand). Cytogenetic location: 9q33.3.
Variant type: single nucleotide variant.
Coding change: c.764G>T on transcript NM_004959.5 (MANE Select); coding-DNA position 764, G replaced by T.
Protein change: p.Arg255Leu; replaces arginine 255 with leucine.
Molecular consequence: missense variant.
Genome position (GRCh38, 1-based): chr9:124,500,196, C>A on the plus strand (G>T on the coding strand, the complement: NR5A1 is on the minus strand). VCF-style: chr9-124500196-C-A. GRCh37 (hg19) VCF-style: chr9-127262475-C-A.
Other names: short protein forms R255L.
Identifiers: ClinVar variation 12795 (VCV000012795.2), dbSNP rs104894118, ClinGen allele CA122710.

ClinVar aggregate classification (germline): Likely benign. Review status: criteria provided, single submitter (1 of 4 stars). 2 submissions from 2 submitters: Likely benign (1). 1 of the submissions does not count toward it. Last evaluated 2026-01-26.

Conditions:
ADRENAL INSUFFICIENCY, NR5A1-RELATED. Identifiers: MedGen C4479664, OMIM 612964.
46,XX sex reversal 4 (SRXX4). Also called: 46,XX SEX REVERSAL, SRY-NEGATIVE; 46, XX sex reversal 4. Identifiers: MedGen C4479552, MONDO:0060489, OMIM 617480.

Allele frequency attached by ClinVar (database versions not stated): ExAC 0.00002.
gnomAD v4.1: 13 of 1,609,834 alleles (0.00081%); highest among the groups gnomAD compares: South Asian, 0.0099%; no homozygotes.

Submissions (2):

Centre for Medical Genetics,  Mumbai
Classification: Likely benign for 46,XX sex reversal 4. Last evaluated: 2026-01-26. Review status: criteria provided, single submitter. Criteria: ACMG Guidelines, 2015. Collection method: provider interpretation. Allele origin: germline. Inheritance: Autosomal dominant inheritance. Affected: no. Observed: 1 heterozygote.
Comment: The variant satisfies PM2 criteria; Extremely low frequency in gnomAD population databases. The variant satisfies PM1 criteria; Extremely low frequency in gnomAD population databases. The variant satisfies PP2 criteria; Missense variant in a gene with low rate of benign missense mutations and for which missense mutation is a common mechanism of a disease. The variant satisfies PP3 criteria; For a missense or a splicing region variant, computational prediction tools unanimously support a deleterious effect on the gene. The variant satisfies PP5 criteria; Reputable source recently reports variant as pathogenic, but the evidence is not available to the laboratory to perform an independent evaluation. However, the variant satisfies BS2 criteria; Hence, the variant is considered likely benign

OMIM
Classification: Pathogenic for ADRENAL INSUFFICIENCY, NR5A1-RELATED. Last evaluated: 2000-12-01. Review status: no assertion criteria provided. Collection method: literature only. Allele origin: germline. Not counted in ClinVar's aggregate classification.

Literature cited by the submitters: PubMed 27378692 (cited by Centre for Medical Genetics,  Mumbai); PubMed 11038323 (cited by OMIM).